The following is an entry in ClinVar:

NM_000384.3(APOB):c.8618T>C (p.Val2873Ala)

Gene: APOB (apolipoprotein B; minus strand). Cytogenetic location: 2p24.1.
Variant type: single nucleotide variant.
Coding change: c.8618T>C on transcript NM_000384.3 (MANE Select); coding-DNA position 8618, T replaced by C.
Protein change: p.Val2873Ala; replaces valine 2873 with alanine.
Molecular consequence: missense variant.
Genome position (GRCh38, 1-based): chr2:21,008,250, A>G on the plus strand (T>C on the coding strand, the complement: APOB is on the minus strand). VCF-style: chr2-21008250-A-G. GRCh37 (hg19) VCF-style: chr2-21231122-A-G.
Other names: short protein forms V2873A.
Identifiers: ClinVar variation 4795967 (VCV004795967.1).

ClinVar aggregate classification (germline): Uncertain significance (1 of 4 stars; one submission).

Conditions:
Familial hypercholesterolemia. Also called: Familial hypercholesterolaemia. Identifiers: MedGen C0020445, MONDO:0005439.

gnomAD v4.1: 1 of 1,613,922 alleles (0.000062%); highest among the groups gnomAD compares: Admixed American, 0.0017%; no homozygotes.

Submission:

Cambridge Genomics Laboratory, East Genomic Laboratory Hub, NHS Genomic Medicine Service
Classification: Uncertain significance for Familial hypercholesterolaemia. Last evaluated: 2026-01-07. Review status: criteria provided, single submitter. Criteria: ACGS Best Practice Guidelines for Variant Classification in Rare Disease 2020. Collection method: clinical testing. Allele origin: germline. Affected: yes.
Comment: PM2_Supporting,PP4